The following is an entry in ClinVar:

NC_000020.11:g.44355671T>A

Gene: HNF4A (hepatocyte nuclear factor 4 alpha; plus strand). Cytogenetic location: 20q13.12.
Variant type: single nucleotide variant.
Genome position: GRCh38 VCF-style: chr20-44355671-T-A. GRCh37 (hg19) VCF-style: chr20-42984311-T-A.
Identifiers: ClinVar variation 4077383 (VCV004077383.1).

ClinVar aggregate classification (germline): Uncertain significance (3 of 4 stars; one submission).

Conditions:
Monogenic diabetes. Identifiers: Orphanet 183625, MedGen C3888631, MONDO:0015967.

Submission:

ClinGen Monogenic Diabetes Variant Curation Expert Panel
Classification: Uncertain significance for Monogenic diabetes. Last evaluated: 2025-09-02. Review status: reviewed by expert panel. Criteria: ClinGen Diabetes ACMG Specifications HNF4A V3.0.0. Collection method: curation. Allele origin: germline. Inheritance: Autosomal dominant inheritance.
Comment: The c.-134T>A variant in the hepatocyte nuclear factor 4-alpha gene, HNF4A, is a single nucleotide variant within the promoter of NM_175914.5. This variant is absent from gnomAD v2.1.1 and v4.1.0 (PM2_Supporting). This variant is located within the HNF6/OC2 binding site of the promoter (c.-132 to c.-141) of HNF4A, which is defined as critical for the protein’s function by the ClinGen MDEP (PM1_Supporting). This variant segregated with diabetes with one informative meiosis in a single family; however, this does not meet the thresholds for PP1 set by the ClinGen MDEP (PMID: 27236918, internal lab contributors). In summary, c.-134T>A meets the criteria to be classified as a variant of uncertain significance for monogenic diabetes. ACMG/AMP criteria applied, as specified by the ClinGen MDEP VCEP (specification version 3.0.0; approved 6/30/2025): PP4, PM1_Supporting, PM2_Supporting.